The following is an entry in ClinVar:

ClinVar aggregate classification (germline): Uncertain significance. Review status: criteria provided, multiple submitters, no conflicts (2 of 4 stars). 2 submissions from 2 submitters: Uncertain significance (2). Last evaluated 2025-05-10.

Conditions:
Inborn genetic diseases. Identifiers: MedGen C0950123, MeSH D030342.

Allele frequency attached by ClinVar (database versions not stated): gnomAD exomes below 0.00001.
gnomAD v4.1: 3 of 1,608,152 alleles (0.00019%); highest among the groups gnomAD compares: Admixed American, 0.0017%; no homozygotes.

Submissions (2):

Ambry Genetics
Classification: Uncertain significance for Inborn genetic diseases. Last evaluated: 2025-05-10. Review status: criteria provided, single submitter. Criteria: Ambry Variant Classification Scheme 2023. Collection method: clinical testing. Allele origin: germline.
Comment: The p.N542I variant (also known as c.1625A>T), located in coding exon 16 of the ANKRD26 gene, results from an A to T substitution at nucleotide position 1625. The asparagine at codon 542 is replaced by isoleucine, an amino acid with dissimilar properties. This amino acid position is conserved. In addition, this alteration is predicted to be tolerated by in silico analysis. Based on the available evidence, the clinical significance of this variant remains unclear.

GeneDx
Classification: Uncertain significance. Last evaluated: 2023-07-06. Review status: criteria provided, single submitter. Criteria: GeneDx Variant Classification Process June 2021. Collection method: clinical testing. Allele origin: germline. Affected: yes.
Comment: Not observed at significant frequency in large population cohorts (gnomAD); In silico analysis supports that this missense variant has a deleterious effect on protein structure/function; Has not been previously published as pathogenic or benign to our knowledge

NM_014915.3(ANKRD26):c.1625A>T (p.Asn542Ile)

Gene: ANKRD26 (ankyrin repeat domain containing 26; minus strand). Cytogenetic location: 10p12.1.
Variant type: single nucleotide variant.
Coding change: c.1625A>T on transcript NM_014915.3 (MANE Select); coding-DNA position 1625, A replaced by T.
Protein change: p.Asn542Ile; replaces asparagine 542 with isoleucine.
Molecular consequence: missense variant.
Genome position (GRCh38, 1-based): chr10:27,053,330, T>A on the plus strand (A>T on the coding strand, the complement: ANKRD26 is on the minus strand). VCF-style: chr10-27053330-T-A. GRCh37 (hg19) VCF-style: chr10-27342259-T-A.
Other names: c.1625A>T, p.Asn542Ile (NM_001256053.2); short protein forms N542I.
Identifiers: ClinVar variation 3124293 (VCV003124293.3), dbSNP rs759389505, ClinGen allele CA376355423.